The following is an entry in ClinVar:

NM_033380.3(COL4A5):c.4783G>T (p.Gly1595Ter)

Gene: COL4A5 (collagen type IV alpha 5 chain; plus strand). Cytogenetic location: Xq22.3.
Variant type: single nucleotide variant.
Coding change: c.4783G>T on transcript NM_033380.3 (MANE Select); coding-DNA position 4783, G replaced by T.
Protein change: p.Gly1595Ter; replaces glycine 1595 with a stop codon.
Molecular consequence: nonsense.
Genome position (GRCh38, 1-based): chrX:108,694,883, G>T. VCF-style: chrX-108694883-G-T. GRCh37 (hg19) VCF-style: chrX-107938113-G-T.
Other names: c.4765G>T, p.Gly1589Ter (NM_000495.5); c.4783G>T (NM_033380.2); short protein forms G1589*, G1595*.
Identifiers: ClinVar variation 1724536 (VCV001724536.6), dbSNP rs2524652341, ClinGen allele CA414132545.

ClinVar aggregate classification (germline): Pathogenic/Likely pathogenic. Review status: criteria provided, multiple submitters, no conflicts (2 of 4 stars). 3 submissions from 3 submitters: Pathogenic (2); Likely pathogenic (1). Last evaluated 2024-05-02.

Conditions:
X-linked Alport syndrome (ATS1). Also called: COL4A5-Related Nephropathy; NEPHROPATHY AND DEAFNESS, X-LINKED. Identifiers: Orphanet 63, Orphanet 88917, MedGen C4746986, MONDO:0010520, OMIM 301050.

Submissions (3):

Labcorp Genetics (formerly Invitae), Labcorp
Classification: Pathogenic. Last evaluated: 2024-05-02. Review status: criteria provided, single submitter. Criteria: Invitae Variant Classification Sherloc (09022015). Collection method: clinical testing. Allele origin: germline.
Comment: This sequence change creates a premature translational stop signal (p.Gly1589*) in the COL4A5 gene. It is expected to result in an absent or disrupted protein product. Loss-of-function variants in COL4A5 are known to be pathogenic (PMID: 9195222, 10752524, 14514738, 24854265, 26809805). This variant is not present in population databases (gnomAD no frequency). This variant has not been reported in the literature in individuals affected with COL4A5-related conditions. ClinVar contains an entry for this variant (Variation ID: 1724536). For these reasons, this variant has been classified as Pathogenic.

Victorian Clinical Genetics Services, Murdoch Childrens Research Institute
Classification: Pathogenic for X-linked Alport syndrome. Last evaluated: 2023-07-16. Review status: criteria provided, single submitter. Criteria: ACMG Guidelines, 2015. Collection method: clinical testing. Allele origin: germline. Inheritance: X-linked inheritance. Affected: yes.
Comment: Based on the classification scheme VCGS_Germline_v1.3.4, this variant is classified as Pathogenic. Following criteria are met: 0103 - Dominant negative and loss of function are known mechanisms of disease in this gene and are associated with X-linked Alport syndrome 1 (MIM#301050). Dominant negative is caused mostly by glycine substitutions that affect the conformation of the protein, and loss of function can be caused by either protein truncating or missense variants (PMID: 24046192, 12028435). (I) 0110 - This gene is associated with X-linked dominant disease. Males are typically more severely affected than females (PMID: 19965530). (I) 0115 - Variants in this gene are known to have variable expressivity. There is intrafamilial variability among affected carrier females, possibly due to variable X-inactivation (PMID: 14514738). (I) 0201 - Variant is predicted to cause nonsense-mediated decay (NMD) and loss of protein (premature termination codon is located at least 54 nucleotides upstream of the final exon-exon junction). (SP) 0251 - This variant is heterozygous. (I) 0301 - Variant is absent from gnomAD (both v2 and v3). (SP) 0701 - Other NMD predicted variants comparable to the one identified in this case have very strong previous evidence for pathogenicity (DECIPHER). (SP) 0807 - This variant has no previous evidence of pathogenicity. (I) 0905 - No published segregation evidence has been identified for this variant. (I) 1007 - No published functional evidence has been identified for this variant. (I) 1208 - Inheritance information for this variant is not currently available in this individual. (I) Legend: (SP) - Supporting pathogenic, (I) - Information, (SB) - Supporting benign

Myriad Genetics, Inc.
Classification: Likely pathogenic for X-linked Alport syndrome. Last evaluated: 2022-02-19. Review status: criteria provided, single submitter. Criteria: Myriad Women's Health Autosomal Recessive and X-Linked Classification Criteria (2021). Collection method: clinical testing. Allele origin: unknown.
Comment: NM_000495.4(COL4A5):c.4765G>T(G1589*) is expected to be pathogenic in the context of X-linked Alport syndrome. This variant is predicted to lead to an abnormal or absent protein product due to the creation of a premature termination codon in COL4A5, a gene where loss-of-function variants are known to be pathogenic. Please note: this variant was assessed in the context of healthy population screening.

Literature cited by the submitters: PubMed 9195222 (cited by Labcorp Genetics (formerly Invitae), Labcorp); PubMed 10752524 (cited by Labcorp Genetics (formerly Invitae), Labcorp); PubMed 14514738 (cited by Labcorp Genetics (formerly Invitae), Labcorp and Victorian Clinical Genetics Services, Murdoch Childrens Research Institute); PubMed 24854265 (cited by Labcorp Genetics (formerly Invitae), Labcorp); PubMed 26809805 (cited by Labcorp Genetics (formerly Invitae), Labcorp); PubMed 12028435 (cited by Victorian Clinical Genetics Services, Murdoch Childrens Research Institute); PubMed 19965530 (cited by Victorian Clinical Genetics Services, Murdoch Childrens Research Institute); PubMed 24046192 (cited by Victorian Clinical Genetics Services, Murdoch Childrens Research Institute).